The following is an entry in ClinVar:

NM_003738.5(PTCH2):c.266T>C (p.Val89Ala)

Gene: PTCH2 (patched 2; minus strand). Cytogenetic location: 1p34.1.
Variant type: single nucleotide variant.
Coding change: c.266T>C on transcript NM_003738.5 (MANE Select); coding-DNA position 266, T replaced by C.
Protein change: p.Val89Ala; replaces valine 89 with alanine.
Molecular consequence: missense variant.
Genome position (GRCh38, 1-based): chr1:44,832,341, A>G on the plus strand (T>C on the coding strand, the complement: PTCH2 is on the minus strand). VCF-style: chr1-44832341-A-G. GRCh37 (hg19) VCF-style: chr1-45298013-A-G.
Other names: c.266T>C, p.Val89Ala (NM_001166292.2); short protein forms V89A.
Identifiers: ClinVar variation 1421922 (VCV001421922.8), dbSNP rs752129680, ClinGen allele CA823683.

ClinVar aggregate classification (germline): Uncertain significance (1 of 4 stars; one submission).

Conditions:
Gorlin syndrome. Also called: Nevoid Basal Cell Carcinoma Syndrome; Basal cell nevus syndrome. Identifiers: Orphanet 377, MedGen C0004779, MONDO:0007187.

Allele frequency attached by ClinVar (database versions not stated): gnomAD exomes below 0.00001; ExAC 0.00001.
gnomAD v4.1: 1 of 1,614,014 alleles (0.000062%); highest among the groups gnomAD compares: Non-Finnish European, 0.000085%; no homozygotes.

Submission:

Labcorp Genetics (formerly Invitae), Labcorp
Classification: Uncertain significance for Gorlin syndrome. Last evaluated: 2021-02-18. Review status: criteria provided, single submitter. Criteria: Invitae Variant Classification Sherloc (09022015). Collection method: clinical testing. Allele origin: germline.
Comment: This sequence change replaces valine with alanine at codon 89 of the PTCH2 protein (p.Val89Ala). The valine residue is moderately conserved and there is a small physicochemical difference between valine and alanine. This variant is present in population databases (rs752129680, ExAC 0.002%). This variant has not been reported in the literature in individuals with PTCH2-related conditions. Algorithms developed to predict the effect of missense changes on protein structure and function output the following: SIFT: "Tolerated"; PolyPhen-2: "Benign"; Align-GVGD: "Class C0". The alanine amino acid residue is found in multiple mammalian species, suggesting that this missense change does not adversely affect protein function. These predictions have not been confirmed by published functional studies and their clinical significance is uncertain. In summary, the available evidence is currently insufficient to determine the role of this variant in disease. Therefore, it has been classified as a Variant of Uncertain Significance.